The following is an entry in ClinVar:

NM_006922.4(SCN3A):c.4712G>C (p.Gly1571Ala)

Gene: SCN3A (sodium voltage-gated channel alpha subunit 3; minus strand). Cytogenetic location: 2q24.3.
Variant type: single nucleotide variant.
Coding change: c.4712G>C on transcript NM_006922.4 (MANE Select); coding-DNA position 4712, G replaced by C.
Protein change: p.Gly1571Ala; replaces glycine 1571 with alanine.
Molecular consequence: missense variant.
Genome position (GRCh38, 1-based): chr2:165,092,349, C>G on the plus strand (G>C on the coding strand, the complement: SCN3A is on the minus strand). VCF-style: chr2-165092349-C-G. GRCh37 (hg19) VCF-style: chr2-165948859-C-G.
Other names: c.4565G>C, p.Gly1522Ala (NM_001081676.2, NM_001081677.2); short protein forms G1522A, G1571A.
Identifiers: ClinVar variation 641086 (VCV000641086.9), dbSNP rs371356521, ClinGen allele CA1938519.

ClinVar aggregate classification (germline): Conflicting classifications of pathogenicity. Review status: criteria provided, conflicting classifications (1 of 4 stars). 2 submissions from 2 submitters: Uncertain significance (1); Likely benign (1). Last evaluated 2026-01-28.

Conditions:
Developmental and epileptic encephalopathy, 62. Also called: Early infantile epileptic encephalopathy 62. Identifiers: MedGen C4693699, MONDO:0033371, OMIM 617938.

Allele frequency attached by ClinVar (database versions not stated): gnomAD exomes below 0.00001 and 0.00001; TOPMed below 0.00001; ExAC 0.00001; ESP Exome Variant Server 0.00008.
gnomAD v4.1: 3 of 1,613,944 alleles (0.00019%); highest among the groups gnomAD compares: Non-Finnish European, 0.00025%; no homozygotes.

Submissions (2):

Centre for Medical Genetics,  Mumbai
Classification: Likely benign for Developmental and epileptic encephalopathy, 62. Last evaluated: 2026-01-28. Review status: criteria provided, single submitter. Criteria: ACMG Guidelines, 2015. Collection method: provider interpretation. Allele origin: germline. Inheritance: Autosomal dominant inheritance. Affected: no. Observed: 1 heterozygote.
Comment: The variant satisfies PM2 criteria; Extremely low frequency in gnomAD population databases. The variant satisfies PP3 criteria; For a missense or a splicing region variant, computational prediction tools unanimously support a deleterious effect on the gene. The variant satisfies PP2 criteria; Missense variant in a gene with low rate of benign missense mutations and for which missense mutation is a common mechanism of a disease. However, the variant satisfies BS2 criteria.

Labcorp Genetics (formerly Invitae), Labcorp
Classification: Uncertain significance. Last evaluated: 2024-10-15. Review status: criteria provided, single submitter. Criteria: Invitae Variant Classification Sherloc (09022015). Collection method: clinical testing. Allele origin: germline.
Comment: This sequence change replaces glycine, which is neutral and non-polar, with alanine, which is neutral and non-polar, at codon 1571 of the SCN3A protein (p.Gly1571Ala). This variant is present in population databases (rs371356521, gnomAD 0.0009%). This variant has not been reported in the literature in individuals affected with SCN3A-related conditions. ClinVar contains an entry for this variant (Variation ID: 641086). Invitae Evidence Modeling of protein sequence and biophysical properties (such as structural, functional, and spatial information, amino acid conservation, physicochemical variation, residue mobility, and thermodynamic stability) indicates that this missense variant is not expected to disrupt SCN3A protein function with a negative predictive value of 95%. In summary, the available evidence is currently insufficient to determine the role of this variant in disease. Therefore, it has been classified as a Variant of Uncertain Significance.

Literature cited by the submitters: PubMed 29466837 (cited by Centre for Medical Genetics,  Mumbai).